The following is an entry in ClinVar:

ClinVar aggregate classification (germline): Uncertain significance (1 of 4 stars; one submission).

Allele frequency attached by ClinVar (database versions not stated): ESP Exome Variant Server 0.00008.
gnomAD v4.1: 27 of 1,569,740 alleles (0.0017%); highest among the groups gnomAD compares: Non-Finnish European, 0.0021%; no homozygotes.

Submission:

Labcorp Genetics (formerly Invitae), Labcorp
Classification: Uncertain significance. Last evaluated: 2025-10-01. Review status: criteria provided, single submitter. Criteria: Invitae Variant Classification Sherloc (09022015). Collection method: clinical testing. Allele origin: germline.
Comment: This sequence change replaces valine, which is neutral and non-polar, with methionine, which is neutral and non-polar, at codon 1512 of the NOTCH3 protein (p.Val1512Met). The frequency data for this variant in the population databases is considered unreliable, as metrics indicate poor data quality at this position in the gnomAD database. This variant has not been reported in the literature in individuals affected with NOTCH3-related conditions. ClinVar contains an entry for this variant (Variation ID: 2916964). Invitae Evidence Modeling of protein sequence and biophysical properties (such as structural, functional, and spatial information, amino acid conservation, physicochemical variation, residue mobility, and thermodynamic stability) indicates that this missense variant is not expected to disrupt NOTCH3 protein function with a negative predictive value of 95%. In summary, the available evidence is currently insufficient to determine the role of this variant in disease. Therefore, it has been classified as a Variant of Uncertain Significance.

NM_000435.3(NOTCH3):c.4534G>A (p.Val1512Met)

Gene: NOTCH3 (notch receptor 3; minus strand). Cytogenetic location: 19p13.12.
Variant type: single nucleotide variant.
Coding change: c.4534G>A on transcript NM_000435.3 (MANE Select); coding-DNA position 4534, G replaced by A.
Protein change: p.Val1512Met; replaces valine 1512 with methionine.
Molecular consequence: missense variant.
Genome position (GRCh38, 1-based): chr19:15,174,270, C>T on the plus strand (G>A on the coding strand, the complement: NOTCH3 is on the minus strand). VCF-style: chr19-15174270-C-T. GRCh37 (hg19) VCF-style: chr19-15285081-C-T.
Other names: short protein forms V1512M.
Identifiers: ClinVar variation 2916964 (VCV002916964.3), dbSNP rs375087797, ClinGen allele CA9262903.